The following is an entry in ClinVar:

ClinVar aggregate classification (germline): Pathogenic (1 of 4 stars; one submission).

Submission:

Labcorp Genetics (formerly Invitae), Labcorp
Classification: Pathogenic. Last evaluated: 2022-05-17. Review status: criteria provided, single submitter. Criteria: Invitae Variant Classification Sherloc (09022015). Collection method: clinical testing. Allele origin: germline.
Comment: For these reasons, this variant has been classified as Pathogenic. Algorithms developed to predict the effect of sequence changes on RNA splicing suggest that this variant may disrupt the consensus splice site. This variant has not been reported in the literature in individuals affected with EIF2AK3-related conditions. This variant is not present in population databases (gnomAD no frequency). This sequence change creates a premature translational stop signal (p.Lys553*) in the EIF2AK3 gene. It is expected to result in an absent or disrupted protein product. Loss-of-function variants in EIF2AK3 are known to be pathogenic (PMID: 11997520).

Literature cited by the submitters: PubMed 11997520.

NM_004836.7(EIF2AK3):c.1657A>T (p.Lys553Ter)

Gene: EIF2AK3 (eukaryotic translation initiation factor 2 alpha kinase 3; minus strand). Cytogenetic location: 2p11.2.
Variant type: single nucleotide variant.
Coding change: c.1657A>T on transcript NM_004836.7 (MANE Select); coding-DNA position 1657, A replaced by T.
Protein change: p.Lys553Ter; replaces lysine 553 with a stop codon.
Molecular consequence: nonsense.
Genome position (GRCh38, 1-based): chr2:88,583,536, T>A on the plus strand (A>T on the coding strand, the complement: EIF2AK3 is on the minus strand). VCF-style: chr2-88583536-T-A. GRCh37 (hg19) VCF-style: chr2-88883054-T-A.
Other names: c.1204A>T, p.Lys402Ter (NM_001313915.2); short protein forms K553*, K402*.
Identifiers: ClinVar variation 1995815 (VCV001995815.4), dbSNP rs758108455, ClinGen allele CA347594185.